The following is an entry in ClinVar:

NM_018489.3(ASH1L):c.599G>A (p.Arg200Gln)

Gene: ASH1L (ASH1 like histone lysine methyltransferase; minus strand). Cytogenetic location: 1q22.
Variant type: single nucleotide variant.
Coding change: c.599G>A on transcript NM_018489.3 (MANE Select); coding-DNA position 599, G replaced by A.
Protein change: p.Arg200Gln; replaces arginine 200 with glutamine.
Molecular consequence: missense variant.
Genome position (GRCh38, 1-based): chr1:155,482,271, C>T on the plus strand (G>A on the coding strand, the complement: ASH1L is on the minus strand). VCF-style: chr1-155482271-C-T. GRCh37 (hg19) VCF-style: chr1-155452062-C-T.
Other names: c.599G>A, p.Arg200Gln (NM_001366177.2); short protein forms R200Q.
Identifiers: ClinVar variation 1374604 (VCV001374604.1), dbSNP rs771977891, ClinGen allele CA30915745.

ClinVar aggregate classification (germline): Uncertain significance (1 of 4 stars; one submission).

Allele frequency attached by ClinVar (database versions not stated): gnomAD exomes 0.00001.
gnomAD v4.1: 21 of 1,614,084 alleles (0.0013%); highest among the groups gnomAD compares: African/African-American, 0.004%; no homozygotes.

Submission:

Labcorp Genetics (formerly Invitae), Labcorp
Classification: Uncertain significance. Last evaluated: 2021-08-12. Review status: criteria provided, single submitter. Criteria: Invitae Variant Classification Sherloc (09022015). Collection method: clinical testing. Allele origin: germline.
Comment: This sequence change replaces arginine with glutamine at codon 200 of the ASH1L protein (p.Arg200Gln). The arginine residue is moderately conserved and there is a small physicochemical difference between arginine and glutamine. This variant is not present in population databases (ExAC no frequency). This variant has not been reported in the literature in individuals affected with ASH1L-related conditions. Algorithms developed to predict the effect of missense changes on protein structure and function output the following: SIFT: "Deleterious"; PolyPhen-2: "Benign"; Align-GVGD: "Class C0". The glutamine amino acid residue is found in multiple mammalian species, which suggests that this missense change does not adversely affect protein function. Algorithms developed to predict the effect of sequence changes on RNA splicing suggest that this variant may create or strengthen a splice site. In summary, the available evidence is currently insufficient to determine the role of this variant in disease. Therefore, it has been classified as a Variant of Uncertain Significance.